The following is an entry in ClinVar:

ClinVar aggregate classification (germline): Benign/Likely benign. Review status: criteria provided, multiple submitters, no conflicts (2 of 4 stars). 3 submissions from 3 submitters: Benign (1); Likely benign (2). Last evaluated 2026-07-14.

Conditions:
Renal cell carcinoma. Identifiers: Orphanet 217071, MedGen C0007134, MeSH D002292, MONDO:0005086, HP:0005584.
Papillary renal cell carcinoma type 1 (RCCP1). Also called: RENAL CELL CARCINOMA, PAPILLARY, 1, SOMATIC; Renal adenocarcinoma; Renal cell carcinoma 1; Renal cell carcinoma, somatic. Identifiers: Orphanet 47044, MedGen C1336839, OMIM 605074, HP:0011797.
Hereditary cancer-predisposing syndrome. Also called: Tumor predisposition; Hereditary neoplastic syndrome; Neoplastic Syndromes, Hereditary; Hereditary Cancer Syndrome. Identifiers: Orphanet 140162, MedGen C0027672, MeSH D009386, MONDO:0015356.

Allele frequency attached by ClinVar (database versions not stated): gnomAD exomes below 0.00001; ExAC 0.00001.
gnomAD v4.1: 1 of 1,614,054 alleles (0.000062%); highest among the groups gnomAD compares: Middle Eastern, 0.017%; no homozygotes.

Submissions (3):

Ambry Genetics
Classification: Likely benign for Hereditary cancer-predisposing syndrome. Last evaluated: 2026-07-14. Review status: criteria provided, single submitter. Criteria: Ambry Variant Classification Scheme 2023. Collection method: clinical testing. Allele origin: germline.

Labcorp Genetics (formerly Invitae), Labcorp
Classification: Likely benign for Renal cell carcinoma. Last evaluated: 2025-10-01. Review status: criteria provided, single submitter. Criteria: Invitae Variant Classification Sherloc (09022015). Collection method: clinical testing. Allele origin: germline.

Myriad Genetics, Inc.
Classification: Benign for Papillary renal cell carcinoma type 1. Last evaluated: 2024-11-06. Review status: criteria provided, single submitter. Criteria: Myriad Autosomal Dominant, Autosomal Recessive and X-Linked Classification Criteria (2023). Collection method: clinical testing. Allele origin: unknown.
Comment: This variant is considered benign. This variant is a silent/synonymous amino acid change and it is not expected to impact splicing.

NM_000245.4(MET):c.258T>G (p.Thr86=)

Gene: MET (MET proto-oncogene, receptor tyrosine kinase; plus strand). Cytogenetic location: 7q31.2.
Variant type: single nucleotide variant.
Coding change: c.258T>G on transcript NM_000245.4 (MANE Select); coding-DNA position 258, T replaced by G.
Protein change: p.Thr86=; no amino-acid change (threonine 86 retained).
Molecular consequence: synonymous variant. On other transcripts: intron variant (1).
Genome position (GRCh38, 1-based): chr7:116,699,342, T>G. VCF-style: chr7-116699342-T-G. GRCh37 (hg19) VCF-style: chr7-116339396-T-G.
Other names: c.258T>G, p.Thr86= (NM_001127500.3, NM_001324401.3); c.-91+26765T>G (NM_001324402.2); c.258T>G (NM_001127500.1).
Identifiers: ClinVar variation 1615577 (VCV001615577.10), dbSNP rs756911444, ClinGen allele CA4447969.